The following is an entry in ClinVar:

GRCh38/hg38 16p13.3(chr16:16203-32412)x3

Genes: MIR6859-4 (microRNA 6859-4; minus strand), WASIR2 (WASH and IL9R antisense RNA 2; plus strand). Cytogenetic location: 16p13.3.
Variant type: copy number gain.
Change: copy number 3 (three copies instead of two) of chr16:16,203-32,412 (16.2 kb, GRCh38 coordinates, 1-based), cytogenetic band 16p13.3.
Identifiers: ClinVar variation 145275 (VCV000145275.1).

ClinVar aggregate classification (germline): Benign/Likely benign (0 of 4 stars; one submission).

Submission:

GeneDx
Classification: Benign/Likely benign. Last evaluated: 2011-04-30. Review status: no assertion criteria provided. Collection method: clinical testing. Allele origin: not provided. Affected: yes. Observed: 4 variant alleles. Clinical features observed: Developmental delay AND/OR other significant developmental or morphological phenotypes, Seizure (HP:0001250), Global developmental delay (HP:0001263).
Comment: Likely benign (1), Benign (3)